The following is an entry in ClinVar:

ClinVar aggregate classification (germline): Uncertain significance (1 of 4 stars; one submission).

gnomAD v4.1: 9 of 1,614,154 alleles (0.00056%); highest among the groups gnomAD compares: Middle Eastern, 0.15%; no homozygotes.

Submission:

Labcorp Genetics (formerly Invitae), Labcorp
Classification: Uncertain significance. Last evaluated: 2025-11-22. Review status: criteria provided, single submitter. Criteria: Invitae Variant Classification Sherloc (09022015). Collection method: clinical testing. Allele origin: germline.
Comment: This sequence change replaces serine, which is neutral and polar, with arginine, which is basic and polar, at codon 475 of the CDH3 protein (p.Ser475Arg). This variant is not present in population databases (gnomAD no frequency). This variant has not been reported in the literature in individuals affected with CDH3-related conditions. ClinVar contains an entry for this variant (Variation ID: 963242). An algorithm developed to predict the effect of missense changes on protein structure and function (PolyPhen-2) suggests that this variant is likely to be tolerated. Algorithms developed to predict the effect of sequence changes on RNA splicing suggest that this variant may disrupt the consensus splice site. In summary, the available evidence is currently insufficient to determine the role of this variant in disease. Therefore, it has been classified as a Variant of Uncertain Significance.

NM_001793.6(CDH3):c.1423A>C (p.Ser475Arg)

Gene: CDH3 (cadherin 3; plus strand). Cytogenetic location: 16q22.1.
Variant type: single nucleotide variant.
Coding change: c.1423A>C on transcript NM_001793.6 (MANE Select); coding-DNA position 1423, A replaced by C.
Protein change: p.Ser475Arg; replaces serine 475 with arginine.
Molecular consequence: missense variant.
Genome position (GRCh38, 1-based): chr16:68,684,823, A>C. VCF-style: chr16-68684823-A-C. GRCh37 (hg19) VCF-style: chr16-68718726-A-C.
Other names: c.1423A>C, p.Ser475Arg (NM_001317195.3); c.1258A>C, p.Ser420Arg (NM_001317196.2); short protein forms S475R, S420R.
Identifiers: ClinVar variation 963242 (VCV000963242.6), dbSNP rs868428771, ClinGen allele CA283280464.